The following is an entry in ClinVar:

NM_000660.7(TGFB1):c.516+5G>A

Gene: TGFB1 (transforming growth factor beta 1; minus strand). Cytogenetic location: 19q13.2.
Variant type: single nucleotide variant.
Coding change: c.516+5G>A on transcript NM_000660.7 (MANE Select); 5 bases into the intron after coding-DNA position 516, G replaced by A.
Molecular consequence: intron variant.
Genome position (GRCh38, 1-based): chr19:41,348,290, C>T on the plus strand (G>A on the coding strand, the complement: TGFB1 is on the minus strand). VCF-style: chr19-41348290-C-T. GRCh37 (hg19) VCF-style: chr19-41854195-C-T.
Identifiers: ClinVar variation 4769179 (VCV004769179.1).

ClinVar aggregate classification (germline): Uncertain significance (1 of 4 stars; one submission).

Submission:

Labcorp Genetics (formerly Invitae), Labcorp
Classification: Uncertain significance. Last evaluated: 2025-07-09. Review status: criteria provided, single submitter. Criteria: Invitae Variant Classification Sherloc (09022015). Collection method: clinical testing. Allele origin: germline.
Comment: This sequence change falls in intron 2 of the TGFB1 gene. It does not directly change the encoded amino acid sequence of the TGFB1 protein. It affects a nucleotide within the consensus splice site. This variant is not present in population databases (gnomAD no frequency). This variant has not been reported in the literature in individuals affected with TGFB1-related conditions. Variants that disrupt the consensus splice site are a relatively common cause of aberrant splicing (PMID: 17576681, 9536098). Algorithms developed to predict the effect of sequence changes on RNA splicing suggest that this variant may create or strengthen a splice site. In summary, the available evidence is currently insufficient to determine the role of this variant in disease. Therefore, it has been classified as a Variant of Uncertain Significance.

Literature cited by the submitters: PubMed 17576681; PubMed 9536098.